The following is an entry in ClinVar:

NM_001130698.2(TRPC3):c.152C>T (p.Ser51Leu)

Gene: TRPC3 (transient receptor potential cation channel subfamily C member 3; minus strand). Cytogenetic location: 4q27.
Variant type: single nucleotide variant.
Coding change: c.152C>T on transcript NM_001130698.2 (MANE Select); coding-DNA position 152, C replaced by T.
Protein change: p.Ser51Leu; replaces serine 51 with leucine.
Molecular consequence: missense variant.
Genome position (GRCh38, 1-based): chr4:121,951,529, G>A on the plus strand (C>T on the coding strand, the complement: TRPC3 is on the minus strand). VCF-style: chr4-121951529-G-A. GRCh37 (hg19) VCF-style: chr4-122872684-G-A.
Other names: c.152C>T, p.Ser51Leu (NM_001366479.2); short protein forms S51L.
Identifiers: ClinVar variation 4802924 (VCV004802924.1).
Genomic context (GRCh38, chr4:121,951,529, plus strand): 5'-TCCGGCCCGTGGGAGAAGGGCGGCGGGCAGTAGCCGTGCGGCTCCCGCTGCGAGGGCGCC[G>A]AGCGCGGCTCCAGCCCCCCGTTGACGCCCCTCCAGCCCCGGCGGCGGCGCTGCGGCTCCG-3'
Protein context (NP_001124170.1, residues 41-61): RGVNGGLEPR[Ser51Leu]APSQREPHGY

ClinVar aggregate classification (germline): Uncertain significance (1 of 4 stars; one submission).

gnomAD v4.1: 122 of 1,397,746 alleles (0.0087%); highest among the groups gnomAD compares: Middle Eastern, 0.05%; no homozygotes.

Submission:

Labcorp Genetics (formerly Invitae), Labcorp
Classification: Uncertain significance. Last evaluated: 2025-04-02. Review status: criteria provided, single submitter. Criteria: Invitae Variant Classification Sherloc (09022015). Collection method: clinical testing. Allele origin: germline.
Comment: This sequence change replaces serine, which is neutral and polar, with leucine, which is neutral and non-polar, at codon 51 of the TRPC3 protein (p.Ser51Leu). The frequency data for this variant in the population databases is considered unreliable, as metrics indicate poor data quality at this position in the gnomAD database. This variant has not been reported in the literature in individuals affected with TRPC3-related conditions. An algorithm developed to predict the effect of missense changes on protein structure and function outputs the following: PolyPhen-2: "Benign". The leucine amino acid residue is found in multiple mammalian species, which suggests that this missense change does not adversely affect protein function. In summary, the available evidence is currently insufficient to determine the role of this variant in disease. Therefore, it has been classified as a Variant of Uncertain Significance.